The following is an entry in ClinVar:

NM_001378457.1(DMXL2):c.1021A>G (p.Met341Val)

Gene: DMXL2 (Dmx like 2; minus strand). Cytogenetic location: 15q21.2.
Variant type: single nucleotide variant.
Coding change: c.1021A>G on transcript NM_001378457.1 (MANE Select); coding-DNA position 1021, A replaced by G.
Protein change: p.Met341Val; replaces methionine 341 with valine.
Molecular consequence: missense variant. On other transcripts: non-coding transcript variant (2).
Genome position (GRCh38, 1-based): chr15:51,542,417, T>C on the plus strand (A>G on the coding strand, the complement: DMXL2 is on the minus strand). VCF-style: chr15-51542417-T-C. GRCh37 (hg19) VCF-style: chr15-51834614-T-C.
Other names: c.1021A>G, p.Met341Val (NM_001174116.3, NM_001174117.3, NM_001378458.1 and 7 more transcripts); short protein forms M341V.
Identifiers: ClinVar variation 1987590 (VCV001987590.3), dbSNP rs772553926, ClinGen allele CA7562687.
Genomic context (GRCh38, chr15:51,542,417, plus strand): 5'-CAATATGAAAATGACAGAGTGCATTTGCATGGTGGGAAATGTGTCTTTGAACTTCATGCA[T>C]TGCTGTCTGGTCGGGCATTAATTCAGCATGAGTTACAAGAACAGATGACCTCCTCTGTCC-3'
Protein context (NP_001365386.1, residues 331-351): HAELMPDQTA[Met341Val]HEVQRHISHH

ClinVar aggregate classification (germline): Uncertain significance (1 of 4 stars; one submission).

Allele frequency attached by ClinVar (database versions not stated): TOPMed below 0.00001; gnomAD exomes 0.00001; ExAC 0.00002.
gnomAD v4.1: 22 of 1,613,748 alleles (0.0014%); highest among the groups gnomAD compares: Non-Finnish European, 0.0018%; no homozygotes.

Submission:

Labcorp Genetics (formerly Invitae), Labcorp
Classification: Uncertain significance. Last evaluated: 2024-02-12. Review status: criteria provided, single submitter. Criteria: Invitae Variant Classification Sherloc (09022015). Collection method: clinical testing. Allele origin: germline.
Comment: This sequence change replaces methionine, which is neutral and non-polar, with valine, which is neutral and non-polar, at codon 341 of the DMXL2 protein (p.Met341Val). This variant is present in population databases (rs772553926, gnomAD 0.006%). This variant has not been reported in the literature in individuals affected with DMXL2-related conditions. ClinVar contains an entry for this variant (Variation ID: 1987590). An algorithm developed to predict the effect of missense changes on protein structure and function (PolyPhen-2) suggests that this variant is likely to be tolerated. In summary, the available evidence is currently insufficient to determine the role of this variant in disease. Therefore, it has been classified as a Variant of Uncertain Significance.